The following is an entry in ClinVar:

NM_004168.4(SDHA):c.1646T>C (p.Leu549Pro)

Gene: SDHA (succinate dehydrogenase complex flavoprotein subunit A; plus strand). Cytogenetic location: 5p15.33.
Variant type: single nucleotide variant.
Coding change: c.1646T>C on transcript NM_004168.4 (MANE Select); coding-DNA position 1646, T replaced by C.
Protein change: p.Leu549Pro; replaces leucine 549 with proline.
Molecular consequence: missense variant. On other transcripts: intron variant (1).
Genome position (GRCh38, 1-based): chr5:251,086, T>C. VCF-style: chr5-251086-T-C. GRCh37 (hg19) VCF-style: chr5-251201-T-C.
Other names: c.1502T>C, p.Leu501Pro (NM_001294332.2); c.1552-3307T>C (NM_001330758.2); c.1646T>C (NM_004168.2); short protein forms L549P, L501P.
Identifiers: ClinVar variation 663867 (VCV000663867.10), dbSNP rs1579438155, ClinGen allele CA358998869.
Genomic context (GRCh38, chr5:251,086, plus strand): 5'-GAAGCGTGTTGCAAGAAGGTTGTGGGAAAATCAGCAAGCTCTATGGAGACCTAAAGCACC[T>C]GAAGACGTTCGACCGGGGTGAGCAGACAGTGGGCTCTGTGCACACTGTTGGGCCCTTCCT-3'
Protein context (NP_004159.2, residues 539-559): ISKLYGDLKH[Leu549Pro]KTFDRGMVWN

ClinVar aggregate classification (germline): Uncertain significance. Review status: criteria provided, multiple submitters, no conflicts (2 of 4 stars). 2 submissions from 2 submitters: Uncertain significance (2). Last evaluated 2024-09-21.

Conditions:
Pheochromocytoma/paraganglioma syndrome 5. Also called: Paragangliomas 5; SDHA-Related Hereditary Paraganglioma-Pheochromocytoma Syndrome. Identifiers: Orphanet 29072, MedGen C3279992, MONDO:0013602, OMIM 614165.
Mitochondrial complex II deficiency, nuclear type 1. Also called: SUCCINATE CoQ REDUCTASE DEFICIENCY. Identifiers: Orphanet 3208, MedGen C5700310, MONDO:0100294, OMIM 252011.
Hereditary cancer-predisposing syndrome. Also called: Tumor predisposition; Neoplastic Syndromes, Hereditary; Hereditary Cancer Syndrome; Hereditary neoplastic syndrome. Identifiers: Orphanet 140162, MedGen C0027672, MeSH D009386, MONDO:0015356.

Submissions (2):

Ambry Genetics
Classification: Uncertain significance for Hereditary cancer-predisposing syndrome. Last evaluated: 2024-09-21. Review status: criteria provided, single submitter. Criteria: Ambry Variant Classification Scheme 2023. Collection method: clinical testing. Allele origin: germline.
Comment: The p.L549P variant (also known as c.1646T>C), located in coding exon 12 of the SDHA gene, results from a T to C substitution at nucleotide position 1646. The leucine at codon 549 is replaced by proline, an amino acid with similar properties. This amino acid position is conserved. In addition, this alteration is predicted to be deleterious by in silico analysis. Based on the available evidence, the clinical significance of this variant remains unclear.

Labcorp Genetics (formerly Invitae), Labcorp
Classification: Uncertain significance for Pheochromocytoma/paraganglioma syndrome 5; Mitochondrial complex II deficiency, nuclear type 1. Last evaluated: 2018-12-10. Review status: criteria provided, single submitter. Criteria: Invitae Variant Classification Sherloc (09022015). Collection method: clinical testing. Allele origin: germline.
Comment: In summary, the available evidence is currently insufficient to determine the role of this variant in disease. Therefore, it has been classified as a Variant of Uncertain Significance. Algorithms developed to predict the effect of missense changes on protein structure and function (SIFT, PolyPhen-2, Align-GVGD) all suggest that this variant is likely to be disruptive, but these predictions have not been confirmed by published functional studies and their clinical significance is uncertain. This variant has not been reported in the literature in individuals with SDHA-related conditions. This variant is not present in population databases (ExAC no frequency). This sequence change replaces leucine with proline at codon 549 of the SDHA protein (p.Leu549Pro). The leucine residue is moderately conserved and there is a moderate physicochemical difference between leucine and proline.